The following is an entry in ClinVar:

ClinVar aggregate classification (germline): Conflicting classifications of pathogenicity. Review status: criteria provided, conflicting classifications (1 of 4 stars). 3 submissions from 3 submitters: Uncertain significance (2); Benign (1). Last evaluated 2025-06-23.

Conditions:
Inborn genetic diseases. Identifiers: MedGen C0950123, MeSH D030342.
Cornelia de Lange syndrome 1 (CDLS1). Also called: NIPBL-Related Cornelia de Lange Syndrome; TYPUS DEGENERATIVUS AMSTELODAMENSIS; Brachmann de Lange syndrome. Identifiers: Orphanet 199, MedGen C4551851, MONDO:0007387, OMIM 122470.

Allele frequency attached by ClinVar (database versions not stated): ExAC 0.00001; gnomAD exomes 0.00001; gnomAD 0.00003; TOPMed 0.00014; ESP Exome Variant Server 0.00015.
gnomAD v4.1: 38 of 1,585,992 alleles (0.0024%); highest among the groups gnomAD compares: African/African-American, 0.0027%; 1 homozygote.

Submissions (3):

Labcorp Genetics (formerly Invitae), Labcorp
Classification: Benign for Cornelia de Lange syndrome 1. Last evaluated: 2025-06-23. Review status: criteria provided, single submitter. Criteria: Invitae Variant Classification Sherloc (09022015). Collection method: clinical testing. Allele origin: germline.

Fulgent Genetics
Classification: Uncertain significance for Cornelia de Lange syndrome 1. Last evaluated: 2024-05-22. Review status: criteria provided, single submitter. Criteria: ACMG Guidelines, 2015. Collection method: clinical testing. Allele origin: germline.

Ambry Genetics
Classification: Uncertain significance for Inborn genetic diseases. Last evaluated: 2018-04-24. Review status: criteria provided, single submitter. Criteria: Ambry Variant Classification Scheme 2023. Collection method: clinical testing. Allele origin: germline.
Comment: The p.I1017L variant (also known as c.3049A>C), located in coding exon 9 of the NIPBL gene, results from an A to C substitution at nucleotide position 3049. The isoleucine at codon 1017 is replaced by leucine, an amino acid with highly similar properties. This amino acid position is highly conserved in available vertebrate species. In addition, the in silico prediction for this alteration is inconclusive. Since supporting evidence is limited at this time, the clinical significance of this alteration remains unclear.

NM_133433.4(NIPBL):c.3049A>C (p.Ile1017Leu)

Gene: NIPBL (NIPBL cohesin loading factor; plus strand). Cytogenetic location: 5p13.2.
Variant type: single nucleotide variant.
Coding change: c.3049A>C on transcript NM_133433.4 (MANE Select); coding-DNA position 3049, A replaced by C.
Protein change: p.Ile1017Leu; replaces isoleucine 1017 with leucine.
Molecular consequence: missense variant.
Genome position (GRCh38, 1-based): chr5:36,986,229, A>C. VCF-style: chr5-36986229-A-C. GRCh37 (hg19) VCF-style: chr5-36986331-A-C.
Other names: c.3049A>C, p.Ile1017Leu (NM_015384.5); short protein forms I1017L.
Identifiers: ClinVar variation 1799215 (VCV001799215.6), dbSNP rs146714879, ClinGen allele CA3236258.